The following is an entry in ClinVar:

NC_000022.11:g.(?_28699832)_(28699943_?)del

Gene: CHEK2 (checkpoint kinase 2; minus strand). Cytogenetic location: 22q12.1.
Variant type: Deletion.
Identifiers: ClinVar variation 530268 (VCV000530268.2).

ClinVar aggregate classification (germline): Pathogenic (1 of 4 stars; one submission).

Conditions:
Familial cancer of breast. Also called: BREAST CANCER, FAMILIAL; Hereditary breast cancer; hereditary breast carcinoma. Identifiers: Orphanet 227535, MedGen C0346153, MONDO:0016419, OMIM 114480. Disease mechanism: loss of function.

Submission:

Labcorp Genetics (formerly Invitae), Labcorp
Classification: Pathogenic for Familial cancer of breast. Last evaluated: 2017-12-05. Review status: criteria provided, single submitter. Criteria: Invitae Variant Classification Sherloc (09022015). Collection method: clinical testing. Allele origin: germline.
Comment: This variant is an out-of-frame deletion of the genomic region encompassing exon 9 of the CHEK2 gene. This is expected to create a premature translational stop signal and result in an absent or disrupted protein product. This variant has not been reported in the literature in individuals with CHEK2-related disease. Loss-of-function variants in CHEK2 are known to be pathogenic (PMID: 21876083, 24713400). For these reasons, this variant has been classified as Pathogenic.